The following is an entry in ClinVar:

NM_030632.3(ASXL3):c.3284A>G (p.Lys1095Arg)

Gene: ASXL3 (ASXL transcriptional regulator 3; plus strand). Cytogenetic location: 18q12.1.
Variant type: single nucleotide variant.
Coding change: c.3284A>G on transcript NM_030632.3 (MANE Select); coding-DNA position 3284, A replaced by G.
Protein change: p.Lys1095Arg; replaces lysine 1095 with arginine.
Molecular consequence: missense variant.
Genome position (GRCh38, 1-based): chr18:33,743,132, A>G. VCF-style: chr18-33743132-A-G. GRCh37 (hg19) VCF-style: chr18-31323096-A-G.
Other names: c.3284A>G (NM_030632.2); short protein forms K1095R.
Identifiers: ClinVar variation 3958406 (VCV003958406.2).
Genomic context (GRCh38, chr18:33,743,132, plus strand): 5'-CTGTGGCTGCTGCAGCGAGCATTGTCTCTGGAGCCATGGGAAGTCCAGGAGAGGGTGGAA[A>G]GACGAGAACTCTGGCACACATCAAAGAGCAGACAAAGGCTAAGCTCTTTGCAAAGCATCA-3'
Protein context (NP_085135.1, residues 1085-1105): GAMGSPGEGG[Lys1095Arg]TRTLAHIKEQ

ClinVar aggregate classification (germline): Uncertain significance. Review status: criteria provided, multiple submitters, no conflicts (2 of 4 stars). 2 submissions from 2 submitters: Uncertain significance (2). Last evaluated 2025-04-08.

Conditions:
ASXL3-related disorder. Also called: ASXL3-related condition. Identifiers: MedGen CN381524.
Inborn genetic diseases. Identifiers: MedGen C0950123, MeSH D030342.

gnomAD v4.1: 2 of 1,613,928 alleles (0.00012%); highest among the groups gnomAD compares: African/African-American, 0.0027%; no homozygotes.

Submissions (2):

Ambry Genetics
Classification: Uncertain significance for Inborn genetic diseases. Last evaluated: 2025-04-08. Review status: criteria provided, single submitter. Criteria: Ambry Variant Classification Scheme 2023. Collection method: clinical testing. Allele origin: germline.

PreventionGenetics, part of Exact Sciences
Classification: Uncertain significance for ASXL3-related condition. Last evaluated: 2024-11-05. Review status: criteria provided, single submitter. Criteria: ACMG Guidelines, 2015. Collection method: clinical testing. Allele origin: germline.
Comment: The ASXL3 c.3284A>G variant is predicted to result in the amino acid substitution p.Lys1095Arg. To our knowledge, this variant has not been reported in the literature. This variant is reported in 0.0065% of alleles in individuals of African descent in gnomAD. At this time, the clinical significance of this variant is uncertain due to the absence of conclusive functional and genetic evidence.